The following is an entry in ClinVar:

NM_177438.3(DICER1):c.4206+11G>T

Gene: DICER1 (dicer 1, ribonuclease III; minus strand). Cytogenetic location: 14q32.13.
Variant type: single nucleotide variant.
Coding change: c.4206+11G>T on transcript NM_177438.3 (MANE Select); 11 bases into the intron after coding-DNA position 4206, G replaced by T.
Molecular consequence: intron variant.
Genome position (GRCh38, 1-based): chr14:95,099,769, C>A on the plus strand (G>T on the coding strand, the complement: DICER1 is on the minus strand). VCF-style: chr14-95099769-C-A. GRCh37 (hg19) VCF-style: chr14-95566106-C-A.
Other names: c.4206+11G>T (NM_001291628.2, NM_030621.4, NM_001271282.3 and 1 more transcripts).
Identifiers: ClinVar variation 315104 (VCV000315104.39), dbSNP rs774504706, ClinGen allele CA7330923.

ClinVar aggregate classification (germline): Benign/Likely benign. Review status: criteria provided, multiple submitters, no conflicts (2 of 4 stars). 6 submissions from 6 submitters: Benign (1); Likely benign (5). Last evaluated 2025-03-04.

Conditions:
DICER1-related tumor predisposition. Also called: DICER1 syndrome; DICER1-related pleuropulmonary blastoma cancer predisposition syndrome. Identifiers: Orphanet 284343, MedGen C3839822, MONDO:0100216.

Allele frequency attached by ClinVar (database versions not stated): ExAC 0.00132; gnomAD exomes 0.00519; gnomAD 0.00632 and 0.00670.

Submissions (6):

Center for Genomic Medicine, Rigshospitalet, Copenhagen University Hospital
Classification: Likely benign. Last evaluated: 2025-03-04. Review status: criteria provided, single submitter. Criteria: ACMG Guidelines, 2015. Collection method: clinical testing. Allele origin: germline.

CeGaT Center for Human Genetics Tuebingen
Classification: Likely benign. Last evaluated: 2025-03-01. Review status: criteria provided, single submitter. Criteria: CeGaT Center For Human Genetics Tuebingen Variant Classification Criteria Version 2. Collection method: clinical testing. Allele origin: germline. Affected: yes. Observed: 38 variant alleles.
Comment: DICER1: BS1

Labcorp Genetics (formerly Invitae), Labcorp
Classification: Likely benign for DICER1-related tumor predisposition. Last evaluated: 2021-01-30. Review status: criteria provided, single submitter. Criteria: Invitae Variant Classification Sherloc (09022015). Collection method: clinical testing. Allele origin: germline.

Illumina Laboratory Services, Illumina
Classification: Benign for Pleuropulmonary blastoma. Last evaluated: 2018-01-13. Review status: criteria provided, single submitter. Criteria: ICSL Variant Classification Criteria 13 December 2019. Collection method: clinical testing. Allele origin: germline.
Comment: This variant was observed in the ICSL laboratory as part of a predisposition screen in an ostensibly healthy population. It had not been previously curated by ICSL or reported in the Human Gene Mutation Database (HGMD: prior to June 1st, 2018), and was therefore a candidate for classification through an automated scoring system. Utilizing variant allele frequency, disease prevalence and penetrance estimates, and inheritance mode, an automated score was calculated to assess if this variant is too frequent to cause the disease. Based on the score and internal cut-off values, a variant classified as benign is not then subjected to further curation. The score for this variant resulted in a classification of benign for this disease.

GeneDx
Classification: Likely benign. Last evaluated: 2017-02-24. Review status: criteria provided, single submitter. Criteria: GeneDx Variant Classification (06012015). Collection method: clinical testing. Allele origin: germline. Affected: yes.
Comment: This variant is considered likely benign or benign based on one or more of the following criteria: it is a conservative change, it occurs at a poorly conserved position in the protein, it is predicted to be benign by multiple in silico algorithms, and/or has population frequency not consistent with disease.

Breakthrough Genomics
Classification: Likely benign. Review status: criteria provided, single submitter. Criteria: ACMG Guidelines, 2015. Collection method: not provided. Allele origin: germline. Inheritance: Autosomal dominant inheritance. Affected: yes.